The following is an entry in ClinVar:

ClinVar aggregate classification (germline): Likely pathogenic (0 of 4 stars; one submission).

Conditions:
Stuve-Wiedemann syndrome (STWS). Also called: Stüve-Wiedemann syndrome. Identifiers: Orphanet 3206, MedGen C0796176, MONDO:0031280.

Allele frequency attached by ClinVar (database versions not stated): gnomAD 0.00001.

Submission:

Institute of Human Genetics, Cologne University
Classification: Likely pathogenic for Stüve-Wiedemann syndrome 1. Last evaluated: 2020-03-20. Review status: no assertion criteria provided. Collection method: clinical testing. Allele origin: de novo. Inheritance: Autosomal recessive inheritance. Affected: yes.
Comment: ACMG criteria: PM2, PP3, PP4, PS2 as moderate as the Variant was de novo. Since this variant is de novo it cannot be assured to be in trans however given the matching phenotype of the patient it is likely to be the underlying cause.

NM_001127671.2(LIFR):c.2444C>G (p.Thr815Arg)

Gene: LIFR (LIF receptor subunit alpha; minus strand). Cytogenetic location: 5p13.1.
Variant type: single nucleotide variant.
Coding change: c.2444C>G on transcript NM_001127671.2 (MANE Select); coding-DNA position 2444, C replaced by G.
Protein change: p.Thr815Arg; replaces threonine 815 with arginine.
Molecular consequence: missense variant.
Genome position (GRCh38, 1-based): chr5:38,485,872, G>C on the plus strand (C>G on the coding strand, the complement: LIFR is on the minus strand). VCF-style: chr5-38485872-G-C. GRCh37 (hg19) VCF-style: chr5-38485974-G-C.
Other names: c.2444C>G, p.Thr815Arg (NM_001364297.2, NM_001364298.2, NM_002310.6); short protein forms T815R.
Identifiers: ClinVar variation 834053 (VCV000834053.1), dbSNP rs1744257909, ClinGen allele CA359536062.
Genomic context (GRCh38, chr5:38,485,872, plus strand): 5'-AACTTACAATTTTCCTTTGTCACCACATACATACTCTTCTCCGGGCCCACTCCACCATCT[G>C]TATAGGCTCGCAAGACCAGGTGGTAACTTGTTTTACCTTGAAGATCAGCAATTCTCAGTG-3'
Protein context (NP_001121143.1, residues 805-825): TSYHLVLRAY[Thr815Arg]DGGVGPEKSM